The following is an entry in ClinVar:

NM_004422.3(DVL2):c.1604C>T (p.Thr535Ile)

Gene: DVL2 (dishevelled segment polarity protein 2; minus strand). Cytogenetic location: 17p13.1.
Variant type: single nucleotide variant.
Coding change: c.1604C>T on transcript NM_004422.3 (MANE Select); coding-DNA position 1604, C replaced by T.
Protein change: p.Thr535Ile; replaces threonine 535 with isoleucine.
Molecular consequence: missense variant.
Genome position (GRCh38, 1-based): chr17:7,226,579, G>A on the plus strand (C>T on the coding strand, the complement: DVL2 is on the minus strand). VCF-style: chr17-7226579-G-A. GRCh37 (hg19) VCF-style: chr17-7129898-G-A.
Other names: short protein forms T535I.
Identifiers: ClinVar variation 3057007 (VCV003057007.2), dbSNP rs72839768, ClinGen allele CA8338507.

ClinVar aggregate classification (germline): Benign (0 of 4 stars; one submission).

Conditions:
DVL2-related disorder. Also called: DVL2-related condition.

Allele frequency attached by ClinVar (database versions not stated): 1000 Genomes Project 0.00719; 1000 Genomes Project 30x 0.00812; ESP Exome Variant Server 0.01692.
gnomAD v4.1: 31,448 of 1,606,300 alleles (2%); highest among the groups gnomAD compares: Non-Finnish European, 2.3%; 394 homozygotes.

Submission:

PreventionGenetics, part of Exact Sciences
Classification: Benign for DVL2-related condition. Last evaluated: 2019-11-08. Review status: no assertion criteria provided. Collection method: clinical testing. Allele origin: germline.
Comment: This variant is classified as benign based on ACMG/AMP sequence variant interpretation guidelines (Richards et al. 2015 PMID: 25741868, with internal and published modifications).